The following is an entry in ClinVar:

ClinVar aggregate classification (germline): Uncertain significance. Review status: criteria provided, multiple submitters, no conflicts (2 of 4 stars). 2 submissions from 2 submitters: Uncertain significance (2). Last evaluated 2025-12-19.

Conditions:
AKR1C4-related disorder. Also called: AKR1C4-related condition.

Submissions (2):

PreventionGenetics, part of Exact Sciences
Classification: Uncertain significance for AKR1C4-related condition. Last evaluated: 2025-12-19. Review status: criteria provided, single submitter. Criteria: ACMG Guidelines, 2015. Collection method: clinical testing. Allele origin: germline.
Comment: The AKR1C4 c.773G>A variant is predicted to result in the amino acid substitution p.Arg258His. This variant was reported in an individual with a disorder of sex development (Fan et al 2017. PubMed ID: 28295047). This variant is reported in 0.038% of alleles in individuals of East Asian descent in gnomAD. At this time, the clinical significance of this variant is uncertain due to the absence of conclusive functional and genetic evidence.

Labcorp Genetics (formerly Invitae), Labcorp
Classification: Uncertain significance. Last evaluated: 2025-03-27. Review status: criteria provided, single submitter. Criteria: Invitae Variant Classification Sherloc (09022015). Collection method: clinical testing. Allele origin: germline.
Comment: This sequence change replaces arginine, which is basic and polar, with histidine, which is basic and polar, at codon 258 of the AKR1C4 protein (p.Arg258His). This variant is present in population databases (rs377735731, gnomAD 0.04%). This missense change has been observed in individual(s) with disorders of sexual development (PMID: 28295047). ClinVar contains an entry for this variant (Variation ID: 3352041). Invitae Evidence Modeling of protein sequence and biophysical properties (such as structural, functional, and spatial information, amino acid conservation, physicochemical variation, residue mobility, and thermodynamic stability) indicates that this missense variant is not expected to disrupt AKR1C4 protein function with a negative predictive value of 80%. In summary, the available evidence is currently insufficient to determine the role of this variant in disease. Therefore, it has been classified as a Variant of Uncertain Significance.

Literature cited by the submitters: PubMed 28295047 (cited by Labcorp Genetics (formerly Invitae), Labcorp).

NM_001818.5(AKR1C4):c.773G>A (p.Arg258His)

Gene: AKR1C4 (aldo-keto reductase family 1 member C4; plus strand). Cytogenetic location: 10p15.1.
Variant type: single nucleotide variant.
Coding change: c.773G>A on transcript NM_001818.5 (MANE Select); coding-DNA position 773, G replaced by A.
Protein change: p.Arg258His; replaces arginine 258 with histidine.
Molecular consequence: missense variant.
Genome position (GRCh38, 1-based): chr10:5,213,086, G>A. VCF-style: chr10-5213086-G-A. GRCh37 (hg19) VCF-style: chr10-5255049-G-A.
Other names: short protein forms R258H.
Identifiers: ClinVar variation 3352041 (VCV003352041.4).
Genomic context (GRCh38, chr10:5,213,086, plus strand): 5'-ACCCAGTTCTTTGTGCCTTAGCAAAGAAACACAAACAAACCCCAGCCCTGATTGCCCTGC[G>A]CTACCAGCTGCAGCGTGGGGTTGTGGTCCTGGCCAAGAGCTACAATGAGCAGCGGATCAG-3'
Protein context (NP_001809.4, residues 248-268): HKQTPALIAL[Arg258His]YQLQRGVVVL